The following is an entry in ClinVar:

ClinVar aggregate classification (germline): Uncertain significance (1 of 4 stars; one submission).

Conditions:
Intellectual developmental disorder, autosomal dominant 46. Also called: MENTAL RETARDATION, AUTOSOMAL DOMINANT 46; Intellectual disability, autosomal dominant 46. Identifiers: MedGen C4539851, MONDO:0030911, OMIM 617601.

Submission:

Neuberg Centre For Genomic Medicine, NCGM
Classification: Uncertain significance for Intellectual developmental disorder, autosomal dominant 46. Last evaluated: 2023-05-20. Review status: criteria provided, single submitter. Criteria: ACMG Guidelines, 2015. Collection method: clinical testing. Allele origin: germline. Inheritance: Autosomal dominant inheritance. Affected: yes.
Comment: The observed missense c.896C>T (p.Ala299Val) variant in KCNQ gene has not been reported previously as a pathogenic variant nor as a benign variant, to our knowledge. This variant is absent in the gnomAD Exomes. This variant has not been submitted to the ClinVar database. Multiple lines of computational evidence (Polyphen - Probably Damaging, SIFT - Damaging and MutationTaster - Disease Causing) predict a damaging effect on protein structure and function for this variant. The amino acid change p.Ala299Val in KCNQ5 is predicted as conserved by GERP++ and PhyloP across 100 vertebrates. The amino acid Ala at position 299 is changed to a Val changing protein sequence and it might alter its composition and physico-chemical properties. For these reasons, this variant has been classified as a Variant of Uncertain Significance (VUS).

NM_019842.4(KCNQ5):c.896C>T (p.Ala299Val)

Gene: KCNQ5 (potassium voltage-gated channel subfamily Q member 5; plus strand). Cytogenetic location: 6q13.
Variant type: single nucleotide variant.
Coding change: c.896C>T on transcript NM_019842.4 (MANE Select); coding-DNA position 896, C replaced by T.
Protein change: p.Ala299Val; replaces alanine 299 with valine.
Molecular consequence: missense variant.
Genome position (GRCh38, 1-based): chr6:73,077,865, C>T. VCF-style: chr6-73077865-C-T. GRCh37 (hg19) VCF-style: chr6-73787588-C-T.
Other names: c.896C>T, p.Ala299Val (NM_001160134.2, NM_001160130.2, NM_001160132.2 and 1 more transcripts); short protein forms A299V.
Identifiers: ClinVar variation 3341373 (VCV003341373.1).
Genomic context (GRCh38, chr6:73,077,865, plus strand): 5'-TTTCGTCTTTCCTTGTCTATCTGGTGGAAAAGGATGCCAATAAAGAGTTTTCTACATATG[C>T]AGATGCTCTCTGGTGGGGCACAGTAAGTATAAAAATACATTTTTTATTTATTGGATGTTG-3'
Protein context (NP_062816.2, residues 289-309): KDANKEFSTY[Ala299Val]DALWWGTITL